The following is an entry in ClinVar:

ClinVar aggregate classification (germline): Uncertain significance (1 of 4 stars; one submission).

Submission:

Labcorp Genetics (formerly Invitae), Labcorp
Classification: Uncertain significance. Last evaluated: 2020-03-16. Review status: criteria provided, single submitter. Criteria: Invitae Variant Classification Sherloc (09022015). Collection method: clinical testing. Allele origin: germline.
Comment: This variant has not been reported in the literature in individuals with USH2A-related conditions. This sequence change replaces glutamic acid with aspartic acid at codon 3928 of the USH2A protein (p.Glu3928Asp). The glutamic acid residue is weakly conserved and there is a small physicochemical difference between glutamic acid and aspartic acid. This variant is not present in population databases (ExAC no frequency). Algorithms developed to predict the effect of missense changes on protein structure and function output the following: SIFT: "Tolerated"; PolyPhen-2: "Benign"; Align-GVGD: "Class C0". The aspartic acid amino acid residue is found in multiple mammalian species, suggesting that this missense change does not adversely affect protein function. These predictions have not been confirmed by published functional studies and their clinical significance is uncertain. In summary, the available evidence is currently insufficient to determine the role of this variant in disease. Therefore, it has been classified as a Variant of Uncertain Significance.

NM_206933.4(USH2A):c.11784A>T (p.Glu3928Asp)

Gene: USH2A (usherin; minus strand). Cytogenetic location: 1q41.
Variant type: single nucleotide variant.
Coding change: c.11784A>T on transcript NM_206933.4 (MANE Select); coding-DNA position 11784, A replaced by T.
Protein change: p.Glu3928Asp; replaces glutamic acid 3928 with aspartic acid.
Molecular consequence: missense variant.
Genome position (GRCh38, 1-based): chr1:215,728,312, T>A on the plus strand (A>T on the coding strand, the complement: USH2A is on the minus strand). VCF-style: chr1-215728312-T-A. GRCh37 (hg19) VCF-style: chr1-215901654-T-A.
Other names: short protein forms E3928D.
Identifiers: ClinVar variation 1003276 (VCV001003276.7), dbSNP rs1659892808, ClinGen allele CA344829429.